The following is an entry in ClinVar:

ClinVar aggregate classification (germline): Uncertain significance (1 of 4 stars; one submission).

Conditions:
Alstrom syndrome (ALMS). Identifiers: Orphanet 64, MedGen C0268425, MONDO:0008763, OMIM 203800.

Allele frequency attached by ClinVar (database versions not stated): gnomAD exomes below 0.00001; TOPMed below 0.00001.
gnomAD v4.1: 1 of 1,613,876 alleles (0.000062%); highest among the groups gnomAD compares: Non-Finnish European, 0.000085%; no homozygotes.

Submission:

Labcorp Genetics (formerly Invitae), Labcorp
Classification: Uncertain significance for Alstrom syndrome. Last evaluated: 2022-02-03. Review status: criteria provided, single submitter. Criteria: Invitae Variant Classification Sherloc (09022015). Collection method: clinical testing. Allele origin: germline.
Comment: Variants that disrupt the consensus splice site are a relatively common cause of aberrant splicing (PMID: 17576681, 9536098). Experimental studies and prediction algorithms are not available or were not evaluated, and the effect of this variant on mRNA splicing is currently unknown. In summary, the available evidence is currently insufficient to determine the role of this variant in disease. Therefore, it has been classified as a Variant of Uncertain Significance. This sequence change falls in intron 16 of the ALMS1 gene. It does not directly change the encoded amino acid sequence of the ALMS1 protein. It affects a nucleotide within the consensus splice site. This variant is not present in population databases (gnomAD no frequency). This variant has not been reported in the literature in individuals affected with ALMS1-related conditions.

Literature cited by the submitters: PubMed 17576681; PubMed 9536098.

NM_001378454.1(ALMS1):c.11547+6T>C

Gene: ALMS1 (ALMS1 centrosome and basal body associated protein; plus strand). Cytogenetic location: 2p13.1.
Variant type: single nucleotide variant.
Coding change: c.11547+6T>C on transcript NM_001378454.1 (MANE Select); 6 bases into the intron after coding-DNA position 11547, T replaced by C.
Molecular consequence: intron variant.
Genome position (GRCh38, 1-based): chr2:73,573,430, T>C. VCF-style: chr2-73573430-T-C. GRCh37 (hg19) VCF-style: chr2-73800557-T-C.
Other names: c.11547+6T>C (NM_015120.4).
Identifiers: ClinVar variation 2081722 (VCV002081722.4), dbSNP rs1674988600, ClinGen allele CA1261022889.